The following is an entry in ClinVar:

NM_201253.3(CRB1):c.1015G>A (p.Asp339Asn)

Gene: CRB1 (crumbs cell polarity complex component 1; plus strand). Cytogenetic location: 1q31.3.
Variant type: single nucleotide variant.
Coding change: c.1015G>A on transcript NM_201253.3 (MANE Select); coding-DNA position 1015, G replaced by A.
Protein change: p.Asp339Asn; replaces aspartic acid 339 with asparagine.
Molecular consequence: missense variant. On other transcripts: non-coding transcript variant (2).
Genome position (GRCh38, 1-based): chr1:197,356,857, G>A. VCF-style: chr1-197356857-G-A. GRCh37 (hg19) VCF-style: chr1-197325987-G-A.
Other names: c.679G>A, p.Asp227Asn (NM_001193640.2); c.808G>A, p.Asp270Asn (NM_001257965.2); c.1015G>A, p.Asp339Asn (NM_001257966.2); short protein forms D227N, D270N, D339N.
Identifiers: ClinVar variation 1438603 (VCV001438603.15), dbSNP rs1199892094, ClinGen allele CA344084355.

ClinVar aggregate classification (germline): Uncertain significance. Review status: criteria provided, multiple submitters, no conflicts (2 of 4 stars). 2 submissions from 2 submitters: Uncertain significance (2). Last evaluated 2025-06-01.

Conditions:
Leber congenital amaurosis 8 (LCA8). Identifiers: Orphanet 65, MedGen C3151202, MONDO:0013453, OMIM 613835.
Retinitis pigmentosa 12 (RP12). Also called: RP WITH OR WITHOUT PRESERVED PARAARTERIOLE RETINAL PIGMENT EPITHELIUM; RETINITIS PIGMENTOSA WITH OR WITHOUT PARAARTERIOLAR PRESERVATION OF RETINAL PIGMENT EPITHELIUM; RP WITH OR WITHOUT PPRPE. Identifiers: Orphanet 791, MedGen C1838647, MONDO:0010818, OMIM 600105.

Allele frequency attached by ClinVar (database versions not stated): TOPMed 0.00001; gnomAD 0.00003 and 0.00004.
gnomAD v4.1: 11 of 1,614,038 alleles (0.00068%); highest among the groups gnomAD compares: African/African-American, 0.0067%; no homozygotes.

Submissions (2):

CeGaT Center for Human Genetics Tuebingen
Classification: Uncertain significance. Last evaluated: 2025-06-01. Review status: criteria provided, single submitter. Criteria: CeGaT Center For Human Genetics Tuebingen Variant Classification Criteria Version 2. Collection method: clinical testing. Allele origin: germline. Affected: yes. Observed: 1 variant allele.
Comment: CRB1: PM2

Labcorp Genetics (formerly Invitae), Labcorp
Classification: Uncertain significance for Leber congenital amaurosis 8; Retinitis pigmentosa 12. Last evaluated: 2022-08-22. Review status: criteria provided, single submitter. Criteria: Invitae Variant Classification Sherloc (09022015). Collection method: clinical testing. Allele origin: germline.
Comment: This sequence change replaces aspartic acid, which is acidic and polar, with asparagine, which is neutral and polar, at codon 339 of the CRB1 protein (p.Asp339Asn). This variant is present in population databases (no rsID available, gnomAD 0.004%). This variant has not been reported in the literature in individuals affected with CRB1-related conditions. ClinVar contains an entry for this variant (Variation ID: 1438603). Algorithms developed to predict the effect of missense changes on protein structure and function output the following: SIFT: "Tolerated"; PolyPhen-2: "Benign"; Align-GVGD: "Class C0". The asparagine amino acid residue is found in multiple mammalian species, which suggests that this missense change does not adversely affect protein function. In summary, the available evidence is currently insufficient to determine the role of this variant in disease. Therefore, it has been classified as a Variant of Uncertain Significance.